The following is an entry in ClinVar:

GRCh38/hg38 9p24.3(chr9:242962-389294)x3

Genes: DOCK8 (dedicator of cytokinesis 8; plus strand), LOC126860552 (BRD4-independent group 4 enhancer GRCh37_chr9:285795-286994; plus strand), LOC130001439 (ATAC-STARR-seq lymphoblastoid active region 28115; plus strand), LOC130001440 (ATAC-STARR-seq lymphoblastoid active region 28116; plus strand). Cytogenetic location: 9p24.3.
Variant type: copy number gain.
Change: copy number 3 (three copies instead of two) of chr9:242,962-389,294 (146.3 kb, GRCh38 coordinates, 1-based), cytogenetic band 9p24.3.
Identifiers: ClinVar variation 58451 (VCV000058451.2).

ClinVar aggregate classification (germline): Uncertain significance (1 of 4 stars; one submission).

Submission:

ISCA Site 6
Classification: Uncertain significance. Last evaluated: 2011-08-12. Review status: criteria provided, single submitter. Criteria: Kaminsky et al. (Genet Med. 2011). Collection method: clinical testing. Allele origin: unknown. Affected: yes. Observed: 1 variant allele.
Comment: Copy number variation identified through the course of routine clinical cytogenomic testing in postnatal populations. Clinical assertions have been curated as described in Kaminsky et al. 2011.